The following is an entry in ClinVar:

ClinVar aggregate classification (germline): Conflicting classifications of pathogenicity. Review status: criteria provided, conflicting classifications (1 of 4 stars). 4 submissions from 4 submitters: Uncertain significance (1); Likely benign (3). Last evaluated 2026-02-03.

Conditions:
Inborn genetic diseases. Identifiers: MedGen C0950123, MeSH D030342.
Baller-Gerold syndrome (BGS). Also called: CRANIOSYNOSTOSIS WITH RADIAL DEFECTS. Identifiers: Orphanet 1225, MedGen C0265308, MONDO:0009039, OMIM 218600.

Allele frequency attached by ClinVar (database versions not stated): ExAC 0.00004; gnomAD 0.00015 and 0.00016; ESP Exome Variant Server 0.00016; TOPMed 0.00017.
gnomAD v4.1: 37 of 1,612,158 alleles (0.0023%); highest among the groups gnomAD compares: African/African-American, 0.044%; no homozygotes.

Submissions (4):

Labcorp Genetics (formerly Invitae), Labcorp
Classification: Likely benign for Baller-Gerold syndrome. Last evaluated: 2026-02-03. Review status: criteria provided, single submitter. Criteria: Invitae Variant Classification Sherloc (09022015). Collection method: clinical testing. Allele origin: germline.

Dasa
Classification: Uncertain significance. Last evaluated: 2025-05-16. Review status: criteria provided, single submitter. Criteria: DASA Assertion Criteria. Collection method: clinical testing. Allele origin: germline.
Comment: NM_004260.4(RECQL4):c.1821C>T (p.Ala607=) is a synonymous variant predicted not to alter the encoded amino acid sequence. This variant is rare in population databases. The currently available literature and clinical evidence are not sufficient to establish a definitive association between this variant and the reported condition. Therefore, this variant is classified as a variant of uncertain significance.

Ambry Genetics
Classification: Likely benign for Inborn genetic diseases. Last evaluated: 2024-12-08. Review status: criteria provided, single submitter. Criteria: Ambry Variant Classification Scheme 2023. Collection method: clinical testing. Allele origin: germline.

Blueprint Genetics
Classification: Likely benign. Last evaluated: 2022-12-23. Review status: criteria provided, single submitter. Criteria: ACMG Guidelines, 2015. Collection method: clinical testing. Allele origin: germline.

NM_004260.4(RECQL4):c.1821C>T (p.Ala607=)

Gene: RECQL4 (RecQ like helicase 4; minus strand). Cytogenetic location: 8q24.3.
Variant type: single nucleotide variant.
Coding change: c.1821C>T on transcript NM_004260.4 (MANE Select); coding-DNA position 1821, C replaced by T.
Protein change: p.Ala607=; no amino-acid change (alanine 607 retained).
Molecular consequence: synonymous variant.
Genome position (GRCh38, 1-based): chr8:144,514,246, G>A on the plus strand (C>T on the coding strand, the complement: RECQL4 is on the minus strand). VCF-style: chr8-144514246-G-A. GRCh37 (hg19) VCF-style: chr8-145739630-G-A.
Identifiers: ClinVar variation 700517 (VCV000700517.13), dbSNP rs369178106, ClinGen allele CA4948647.